The following is an entry in ClinVar:

NM_001042492.3(NF1):c.4332G>A (p.Lys1444=)

Gene: NF1 (neurofibromin 1; plus strand). Cytogenetic location: 17q11.2.
Variant type: single nucleotide variant.
Coding change: c.4332G>A on transcript NM_001042492.3 (MANE Select); coding-DNA position 4332, G replaced by A.
Protein change: p.Lys1444=; no amino-acid change (lysine 1444 retained).
Molecular consequence: synonymous variant.
Genome position (GRCh38, 1-based): chr17:31,258,502, G>A. VCF-style: chr17-31258502-G-A. GRCh37 (hg19) VCF-style: chr17-29585520-G-A.
Other names: c.4269G>A, p.Lys1423= (NM_000267.4).
Identifiers: ClinVar variation 423536 (VCV000423536.20), dbSNP rs199474750, ClinGen allele CA16620367.

ClinVar aggregate classification (germline): Pathogenic/Likely pathogenic. Review status: criteria provided, multiple submitters, no conflicts (2 of 4 stars). 10 submissions from 10 submitters: Pathogenic (2); Likely pathogenic (8). Last evaluated 2025-07-18.

Conditions:
Hereditary cancer-predisposing syndrome. Also called: Tumor predisposition; Hereditary Cancer Syndrome; Hereditary neoplastic syndrome; Neoplastic Syndromes, Hereditary. Identifiers: Orphanet 140162, MedGen C0027672, MeSH D009386, MONDO:0015356.
Cardiovascular phenotype. Identifiers: MedGen CN230736.
NF1-related disorder. Also called: NF1-related condition. Identifiers: MedGen CN379171.
Neurofibromatosis, type 1 (NF1). Also called: Neurofibromatosis, type I; NEUROFIBROMATOSIS, TYPE I, SOMATIC; VON RECKLINGHAUSEN DISEASE; Peripheral type neurofibromatosis. Identifiers: Orphanet 636, MedGen C0027831, MONDO:0018975, OMIM 162200. Disease mechanism: loss of function.

Submissions (10):

3billion
Classification: Likely pathogenic for Neurofibromatosis, type 1. Last evaluated: 2025-07-18. Review status: criteria provided, single submitter. Criteria: ACMG Guidelines, 2015. Collection method: clinical testing. Allele origin: germline. Affected: yes.
Comment: The variant is not observed in the gnomAD v4.1.0 dataset. Predicted Consequence/Location: Synonymous variant In silico tools predict the variant to alter splicing and produce an abnormal transcript [SpliceAI: 0.86 (>=0.2, moderate evidence for spliceogenicity)]. The variant has been reported at least twice as pathogenic with clinical assertions and evidence for the classification (ClinVar ID: VCV000423536 /PMID: 28068329). Therefore, this variant is classified as Likely pathogenic according to the recommendation of ACMG/AMP guideline.

Institute of Human Genetics, University of Leipzig Medical Center
Classification: Pathogenic for Neurofibromatosis, type 1. Last evaluated: 2025-07-14. Review status: criteria provided, single submitter. Criteria: ACMG Guidelines, 2015. Collection method: clinical testing. Allele origin: unknown. Inheritance: Autosomal dominant inheritance. Affected: yes.
Comment: Criteria applied: PS1,PVS1_MOD,PS4_MOD,PM2_SUP,PP4

Labcorp Genetics (formerly Invitae), Labcorp
Classification: Pathogenic for Neurofibromatosis, type 1. Last evaluated: 2024-09-30. Review status: criteria provided, single submitter. Criteria: Invitae Variant Classification Sherloc (09022015). Collection method: clinical testing. Allele origin: germline.
Comment: This sequence change affects codon 1423 of the NF1 mRNA. It is a 'silent' change, meaning that it does not change the encoded amino acid sequence of the NF1 protein. RNA analysis indicates that this variant induces altered splicing and likely results in a shortened protein product. This variant is not present in population databases (gnomAD no frequency). This variant has been observed in individual(s) with neurofibromatosis type 1 (PMID: 21520333, 27862945, 28068329). ClinVar contains an entry for this variant (Variation ID: 423536). Variants that disrupt the consensus splice site are a relatively common cause of aberrant splicing (PMID: 17576681, 9536098). Studies have shown that this variant results in skipping of 27 bp, but is expected to preserve the integrity of the reading-frame (PMID: 28068329). This variant disrupts the c.4269G nucleotide in the NF1 gene. Other variant(s) that disrupt this nucleotide have been determined to be pathogenic (PMID: 18546366). This suggests that this nucleotide is clinically significant, and that variants that disrupt this position are likely to be disease-causing. For these reasons, this variant has been classified as Pathogenic.

Women's Health and Genetics/Laboratory Corporation of America, LabCorp
Classification: Likely pathogenic for Neurofibromatosis, type 1. Last evaluated: 2024-09-12. Review status: criteria provided, single submitter. Criteria: LabCorp Variant Classification Summary - May 2015. Collection method: clinical testing. Allele origin: germline.
Comment: Variant summary: NF1 c.4269G>A (p.Lys1423Lys) alters a conserved nucleotide located close to a canonical splice site and therefore could affect mRNA splicing, leading to a significantly altered protein sequence. Several computational tools predict a significant impact on normal splicing: One predicts the variant abolishes a 5' splicing donor site. Two predict the variant weakens a 5' donor site. However, these predictions have yet to be confirmed by functional studies. The frequency data for this variant in gnomAD is considered unreliable, as metrics indicate poor data quality at this position. c.4269G>A has been reported in the literature in individuals affected with Neurofibromatosis Type 1 (Pemov_2017, Wei_2020, Lin_2021, Martorana_2023), including at least one de novo case. These data indicate that the variant may be associated with disease. To our knowledge, no experimental evidence demonstrating an impact on protein function has been reported. The following publications have been ascertained in the context of this evaluation (PMID: 37090834, 37751797, 28068329, 32978145). ClinVar contains an entry for this variant (Variation ID: 423536). Based on the evidence outlined above, the variant was classified as likely pathogenic.

Blueprint Genetics
Classification: Likely pathogenic for NF1-related disorders. Last evaluated: 2024-06-04. Review status: criteria provided, single submitter. Criteria: ACMG Guidelines, 2015. Collection method: clinical testing. Allele origin: germline. Affected: yes. Observed: 1 variant allele.

Ambry Genetics
Classification: Likely pathogenic for Cardiovascular phenotype; Hereditary cancer-predisposing syndrome. Last evaluated: 2023-03-01. Review status: criteria provided, single submitter. Criteria: Ambry Variant Classification Scheme 2023. Collection method: clinical testing. Allele origin: germline.
Comment: The c.4269G>A variant (also known as p.K1423K), located in coding exon 31 of the NF1 gene, results from a G to A substitution at nucleotide position 4269. This nucleotide substitution does not change the at codon 1423. However, this change occurs in the last base pair of coding exon 31, which makes it likely to have some effect on normal mRNA splicing. This alteration was reported in individuals who either had a clinical diagnosis of neurofibromatosis type 1(NF1) or had some clinical features of NF1 (Sites ER et al. Am J Med Genet A, 2017 Mar;173:647-653; Pemov A et al. Oncogene, 2017 Jun;36:3168-3177). This variant is considered to be rare based on population cohorts in the Genome Aggregation Database (gnomAD). This nucleotide position is highly conserved in available vertebrate species. In silico splice site analysis predicts that this alteration will weaken the native splice donor site; however, direct evidence is insufficient at this time (Ambry internal data). Based on the majority of available evidence to date, this variant is likely to be pathogenic.

Laboratorio de Genetica e Diagnostico Molecular, Hospital Israelita Albert Einstein
Classification: Likely pathogenic for Neurofibromatosis, type 1. Last evaluated: 2023-01-13. Review status: criteria provided, single submitter. Criteria: ACMG Guidelines, 2015. Collection method: clinical testing. Allele origin: germline. Affected: yes. Observed: 1 variant allele.
Comment: ACMG classification criteria: PS3 supporting, PS4 supporting, PM2 moderated, PP1 supporting, PP3 supporting

Medical Genetics, University of Parma
Classification: Likely pathogenic for Neurofibromatosis, type 1. Last evaluated: 2022-08-17. Review status: criteria provided, single submitter. Criteria: ACMG Guidelines, 2015. Collection method: clinical testing. Allele origin: germline. Inheritance: Autosomal dominant inheritance. Affected: yes.

GeneDx
Classification: Likely pathogenic. Last evaluated: 2021-08-17. Review status: criteria provided, single submitter. Criteria: GeneDx Variant Classification Process June 2021. Collection method: clinical testing. Allele origin: germline. Affected: yes.
Comment: Located at the last nucleotide of the exon and predicted to result in abnormal splicing leading to an in-frame deletion of the adjacent exon; Published functional studies demonstrate a damaging effect: cell lines containing this variant were able to form colonies and lost contact inhibition; they also showed the ability to form tumors when introduced to mice (Li 2016); Not observed at significant frequency in large population cohorts (Lek 2016); This variant is associated with the following publications: (PMID: 32978145, 28068329, 27617404, 27862945)

Center for Human Genetics, Inc
Classification: Likely pathogenic for Neurofibromatosis, type 1. Last evaluated: 2016-11-01. Review status: criteria provided, single submitter. Criteria: ACMG Guidelines, 2015. Collection method: clinical testing. Allele origin: germline. Affected: yes.

Literature cited by the submitters: PubMed 28068329 (cited by 3 submitters); PubMed 21520333 (cited by Labcorp Genetics (formerly Invitae), Labcorp); PubMed 27862945 (cited by Labcorp Genetics (formerly Invitae), Labcorp); PubMed 17576681 (cited by Labcorp Genetics (formerly Invitae), Labcorp); PubMed 9536098 (cited by Labcorp Genetics (formerly Invitae), Labcorp); PubMed 18546366 (cited by Labcorp Genetics (formerly Invitae), Labcorp); PubMed 32978145 (cited by Women's Health and Genetics/Laboratory Corporation of America, LabCorp); PubMed 37090834 (cited by Women's Health and Genetics/Laboratory Corporation of America, LabCorp); PubMed 37751797 (cited by Women's Health and Genetics/Laboratory Corporation of America, LabCorp).